The following is an entry in ClinVar:

ClinVar aggregate classification (germline): Pathogenic (1 of 4 stars; one submission).

Conditions:
Multiple congenital exostosis (EXT). Also called: Multiple osteochondromas; MULTIPLE CARTILAGINOUS EXOSTOSES; Hereditary multiple osteochondromas; Hereditary multiple exostoses; Hereditary multiple exostosis; Multiple exostoses. Identifiers: Orphanet 321, MedGen C0015306, MONDO:0005508, HP:0002762.

Submission:

Labcorp Genetics (formerly Invitae), Labcorp
Classification: Pathogenic for Multiple congenital exostosis. Last evaluated: 2025-10-15. Review status: criteria provided, single submitter. Criteria: Invitae Variant Classification Sherloc (09022015). Collection method: clinical testing. Allele origin: germline.
Comment: This sequence change creates a premature translational stop signal (p.Arg440Leufs*4) in the EXT1 gene. It is expected to result in an absent or disrupted protein product. Loss-of-function variants in EXT1 are known to be pathogenic (PMID: 10679937, 11391482, 19810120). This variant is not present in population databases (gnomAD no frequency). This premature translational stop signal has been observed in individual(s) with hereditary multiple osteochondromatosis (PMID: 33632255). For these reasons, this variant has been classified as Pathogenic.

Literature cited by the submitters: PubMed 10679937; PubMed 11391482; PubMed 19810120; PubMed 33632255.

NM_000127.3(EXT1):c.1319del (p.Arg440fs)

Gene: EXT1 (exostosin glycosyltransferase 1; minus strand). Cytogenetic location: 8q24.11.
Variant type: Deletion.
Coding change: c.1319del on transcript NM_000127.3 (MANE Select); coding-DNA position 1319, one base deleted (G; older notation c.1319delG).
Protein change: p.Arg440fs; shifts the reading frame from arginine 440.
Molecular consequence: frameshift variant.
Genome position (GRCh38, 1-based): chr8:117,822,563, C deleted on the plus strand (G on the coding strand, the reverse complement: EXT1 is on the minus strand). VCF-style (leftmost placement, unchanged base first): chr8-117822562-AC-A. GRCh37 (hg19) VCF-style: chr8-118834801-AC-A.
Other names: short protein forms R440fs.
Identifiers: ClinVar variation 4763814 (VCV004763814.1).